The following is an entry in ClinVar:

ClinVar aggregate classification (germline): Pathogenic (1 of 4 stars; one submission).

Conditions:
Pyridoxine-dependent epilepsy (EPEO4). Also called: PYRIDOXINE DEPENDENCY WITH SEIZURES; Pyridoxine-Dependent Seizures; EPILEPSY, EARLY-ONSET, 4, VITAMIN B6-DEPENDENT; Pyridoxine-Dependent Epilepsy - ALDH7A1. Identifiers: Orphanet 3006, MedGen C1849508, MONDO:0009945, OMIM 266100. Disease mechanism: loss of function.

Allele frequency attached by ClinVar (database versions not stated): gnomAD exomes below 0.00001.
gnomAD v4.1: 3 of 1,614,080 alleles (0.00019%); highest among the groups gnomAD compares: Non-Finnish European, 0.00025%; no homozygotes.

Submission:

Labcorp Genetics (formerly Invitae), Labcorp
Classification: Pathogenic for Pyridoxine-dependent epilepsy. Last evaluated: 2023-02-01. Review status: criteria provided, single submitter. Criteria: Invitae Variant Classification Sherloc (09022015). Collection method: clinical testing. Allele origin: germline.
Comment: This variant is not present in population databases (gnomAD no frequency). For these reasons, this variant has been classified as Pathogenic. This premature translational stop signal has been observed in individual(s) with pyridoxine-dependent epilepsy (PMID: 26232297). It has also been observed to segregate with disease in related individuals. This sequence change creates a premature translational stop signal (p.Trp99*) in the ALDH7A1 gene. It is expected to result in an absent or disrupted protein product. Loss-of-function variants in ALDH7A1 are known to be pathogenic (PMID: 16491085, 20554659).

Literature cited by the submitters: PubMed 26232297; PubMed 16491085; PubMed 20554659.

NM_001182.5(ALDH7A1):c.296G>A (p.Trp99Ter)

Gene: ALDH7A1 (aldehyde dehydrogenase 7 family member A1; minus strand). Cytogenetic location: 5q23.2.
Variant type: single nucleotide variant.
Coding change: c.296G>A on transcript NM_001182.5 (MANE Select); coding-DNA position 296, G replaced by A.
Protein change: p.Trp99Ter; replaces tryptophan 99 with a stop codon.
Molecular consequence: nonsense.
Genome position (GRCh38, 1-based): chr5:126,592,680, C>T on the plus strand (G>A on the coding strand, the complement: ALDH7A1 is on the minus strand). VCF-style: chr5-126592680-C-T. GRCh37 (hg19) VCF-style: chr5-125928372-C-T.
Other names: c.212G>A, p.Trp71Ter (NM_001201377.2); c.296G>A, p.Trp99Ter (NM_001202404.2); short protein forms W71*, W99*.
Identifiers: ClinVar variation 3001651 (VCV003001651.3), dbSNP rs2480364062, ClinGen allele CA360733104.